The following is an entry in ClinVar:

ClinVar aggregate classification (germline): Uncertain significance. Review status: criteria provided, multiple submitters, no conflicts (2 of 4 stars). 2 submissions from 2 submitters: Uncertain significance (2). Last evaluated 2026-01-15.

Conditions:
Hyperaldosteronism, familial, type IV (HALD4). Also called: FH IV; ALDOSTERONISM, PRIMARY, AND HYPERTENSION. Identifiers: Orphanet 642671, MedGen C4310756, MONDO:0014875, OMIM 617027.
Idiopathic generalized epilepsy. Also called: Generalised epilepsy; EIG. Identifiers: MedGen C0270850, MONDO:0005579, OMIM 600669.

gnomAD v4.1: 3 of 1,612,320 alleles (0.00019%); highest among the groups gnomAD compares: Non-Finnish European, 0.00025%; no homozygotes.

Submissions (2):

Labcorp Genetics (formerly Invitae), Labcorp
Classification: Uncertain significance for Idiopathic generalized epilepsy; Hyperaldosteronism, familial, type IV. Last evaluated: 2026-01-15. Review status: criteria provided, single submitter. Criteria: Invitae Variant Classification Sherloc (09022015). Collection method: clinical testing. Allele origin: germline.
Comment: This sequence change replaces serine, which is neutral and polar, with proline, which is neutral and non-polar, at codon 722 of the CACNA1H protein (p.Ser722Pro). This variant is not present in population databases (gnomAD no frequency). This variant has not been reported in the literature in individuals affected with CACNA1H-related conditions. ClinVar contains an entry for this variant (Variation ID: 3763390). Invitae Evidence Modeling of protein sequence and biophysical properties (such as structural, functional, and spatial information, amino acid conservation, physicochemical variation, residue mobility, and thermodynamic stability) indicates that this missense variant is not expected to disrupt CACNA1H protein function with a negative predictive value of 80%. In summary, the available evidence is currently insufficient to determine the role of this variant in disease. Therefore, it has been classified as a Variant of Uncertain Significance.

Women's Health and Genetics/Laboratory Corporation of America, LabCorp
Classification: Uncertain significance. Last evaluated: 2025-11-12. Review status: criteria provided, single submitter. Criteria: LabCorp Variant Classification Summary - May 2015. Collection method: clinical testing. Allele origin: germline.
Comment: Variant summary: CACNA1H c.2164T>C (p.Ser722Pro) results in a non-conservative amino acid change in the encoded protein sequence. Algorithms developed to predict the effect of missense changes on protein structure and function are either unavailable or do not agree on the potential impact of this missense change. The variant was absent in 245496 control chromosomes. The available data on variant occurrences in the general population are insufficient to allow any conclusion about variant significance. To our knowledge, no occurrence of c.2164T>C in individuals affected with CACNA1H-related conditions and no experimental evidence demonstrating its impact on protein function have been reported. ClinVar contains an entry for this variant (Variation ID: 3763390). Based on the evidence outlined above, the variant was classified as uncertain significance.

NM_021098.3(CACNA1H):c.2164T>C (p.Ser722Pro)

Gene: CACNA1H (calcium voltage-gated channel subunit alpha1 H; plus strand). Cytogenetic location: 16p13.3.
Variant type: single nucleotide variant.
Coding change: c.2164T>C on transcript NM_021098.3 (MANE Select); coding-DNA position 2164, T replaced by C.
Protein change: p.Ser722Pro; replaces serine 722 with proline.
Molecular consequence: missense variant.
Genome position (GRCh38, 1-based): chr16:1,204,171, T>C. VCF-style: chr16-1204171-T-C. GRCh37 (hg19) VCF-style: chr16-1254171-T-C.
Other names: c.2164T>C, p.Ser722Pro (NM_001005407.2); short protein forms S722P.
Identifiers: ClinVar variation 3763390 (VCV003763390.3).